The following is an entry in ClinVar:

ClinVar aggregate classification (germline): Uncertain significance (1 of 4 stars; one submission).

Allele frequency attached by ClinVar (database versions not stated): ExAC 0.00002.
gnomAD v4.1: 8 of 1,613,992 alleles (0.0005%); highest among the groups gnomAD compares: Middle Eastern, 0.12%; 1 homozygote.

Submission:

Centre of Medical Genetics, University Hospital Muenster
Classification: Uncertain significance. Last evaluated: 2023-04-25. Review status: criteria provided, single submitter. Criteria: ACMG Guidelines, 2015. Collection method: clinical testing. Allele origin: unknown. Affected: yes. Observed: 1 variant allele, 1 heterozygote.
Comment: ACMG categories: PM2,PP3

NM_001369268.1(ACAN):c.6434C>T (p.Ser2145Phe)

Gene: ACAN (aggrecan; plus strand). Cytogenetic location: 15q26.1.
Variant type: single nucleotide variant.
Coding change: c.6434C>T on transcript NM_001369268.1 (MANE Select); coding-DNA position 6434, C replaced by T.
Protein change: p.Ser2145Phe; replaces serine 2145 with phenylalanine.
Molecular consequence: missense variant.
Genome position (GRCh38, 1-based): chr15:88,859,019, C>T. VCF-style: chr15-88859019-C-T. GRCh37 (hg19) VCF-style: chr15-89402250-C-T.
Other names: c.6434C>T, p.Ser2145Phe (NM_001135.4, NM_001411096.1, NM_001411097.1 and 1 more transcripts); short protein forms S2145F.
Identifiers: ClinVar variation 2504153 (VCV002504153.2), dbSNP rs757495567, ClinGen allele CA7720401.